The following is an entry in ClinVar:

NM_000038.6(APC):c.2704G>A (p.Glu902Lys)

Gene: APC (APC regulator of Wnt signaling pathway; plus strand). Cytogenetic location: 5q22.2.
Variant type: single nucleotide variant.
Coding change: c.2704G>A on transcript NM_000038.6 (MANE Select); coding-DNA position 2704, G replaced by A.
Protein change: p.Glu902Lys; replaces glutamic acid 902 with lysine.
Molecular consequence: missense variant.
Genome position (GRCh38, 1-based): chr5:112,838,298, G>A. VCF-style: chr5-112838298-G-A. GRCh37 (hg19) VCF-style: chr5-112173995-G-A.
Other names: c.2704G>A, p.Glu902Lys (NM_001127510.3, NM_001354895.2); c.2650G>A, p.Glu884Lys (NM_001127511.3); c.2758G>A, p.Glu920Lys (NM_001354896.2); c.2734G>A, p.Glu912Lys (NM_001354897.2); c.2629G>A, p.Glu877Lys (NM_001354898.2); c.2620G>A, p.Glu874Lys (NM_001354899.2); c.2581G>A, p.Glu861Lys (NM_001354900.2); c.2527G>A, p.Glu843Lys (NM_001354901.2); and 5 more; short protein forms E742K, E843K, E861K, E902K, E811K, E877K, E619K, E776K.
Identifiers: ClinVar variation 919258 (VCV000919258.15), dbSNP rs1765248349, ClinGen allele CA16027231.
Genomic context (GRCh38, chr5:112,838,298, plus strand): 5'-ACCACTGCAGCCCAGATTGCCAAAGTCATGGAAGAAGTGTCAGCCATTCATACCTCTCAG[G>A]AAGACAGAAGTTCTGGGTCTACCACTGAATTACATTGTGTGACAGATGAGAGAAATGCAC-3'
Protein context (NP_000029.2, residues 892-912): EEVSAIHTSQ[Glu902Lys]DRSSGSTTEL

ClinVar aggregate classification (germline): Uncertain significance. Review status: criteria provided, multiple submitters, no conflicts (2 of 4 stars). 3 submissions from 3 submitters: Uncertain significance (3). Last evaluated 2026-05-03.

Conditions:
Hereditary cancer-predisposing syndrome. Also called: Hereditary Cancer Syndrome; Neoplastic Syndromes, Hereditary; Tumor predisposition; Hereditary neoplastic syndrome. Identifiers: Orphanet 140162, MedGen C0027672, MeSH D009386, MONDO:0015356.
Familial adenomatous polyposis 1 (FAP1). Also called: FAMILIAL ADENOMATOUS POLYPOSIS 1, ATTENUATED; POLYPOSIS, ADENOMATOUS INTESTINAL. Identifiers: MedGen C2713442, MONDO:0021056, OMIM 175100. Disease mechanism: loss of function.

Allele frequency attached by ClinVar (database versions not stated): gnomAD exomes below 0.00001.
gnomAD v4.1: 1 of 1,614,198 alleles (0.000062%); highest among the groups gnomAD compares: Non-Finnish European, 0.000085%; no homozygotes.

Submissions (3):

Ambry Genetics
Classification: Uncertain significance for Hereditary cancer-predisposing syndrome. Last evaluated: 2026-05-03. Review status: criteria provided, single submitter. Criteria: Ambry Variant Classification Scheme 2023. Collection method: clinical testing. Allele origin: germline.
Comment: The p.E902K variant (also known as c.2704G>A), located in coding exon 15 of the APC gene, results from a G to A substitution at nucleotide position 2704. The glutamic acid at codon 902 is replaced by lysine, an amino acid with similar properties. This amino acid position is conserved. In addition, in silico predictors for this gene do not accurately predict pathogenicity. Based on the available evidence, the clinical significance of this variant remains unclear.

Color Diagnostics, LLC DBA Color Health
Classification: Uncertain significance for Hereditary cancer-predisposing syndrome. Last evaluated: 2020-03-02. Review status: criteria provided, single submitter. Criteria: ACMG Guidelines, 2015. Collection method: clinical testing. Allele origin: germline.
Comment: This missense variant replaces glutamic acid with lysine at codon 902 of the APC protein. Computational prediction is inconclusive regarding the impact of this variant on protein structure and function (internally defined REVEL score threshold 0.5 < inconclusive < 0.7, PMID: 27666373). Splice site prediction tools suggest that this variant may not impact RNA splicing. To our knowledge, functional studies have not been reported for this variant. This variant has not been reported in individuals affected with hereditary cancer in the literature. This variant has not been identified in the general population by the Genome Aggregation Database (gnomAD). The available evidence is insufficient to determine the role of this variant in disease conclusively. Therefore, this variant is classified as a Variant of Uncertain Significance.

Labcorp Genetics (formerly Invitae), Labcorp
Classification: Uncertain significance for Familial adenomatous polyposis 1. Last evaluated: 2019-09-07. Review status: criteria provided, single submitter. Criteria: Invitae Variant Classification Sherloc (09022015). Collection method: clinical testing. Allele origin: germline.
Comment: This variant has not been reported in the literature in individuals with APC-related conditions. This variant is not present in population databases (ExAC no frequency). This sequence change replaces glutamic acid with lysine at codon 902 of the APC protein (p.Glu902Lys). The glutamic acid residue is moderately conserved and there is a small physicochemical difference between glutamic acid and lysine. In summary, the available evidence is currently insufficient to determine the role of this variant in disease. Therefore, it has been classified as a Variant of Uncertain Significance. Algorithms developed to predict the effect of missense changes on protein structure and function (SIFT, PolyPhen-2, Align-GVGD) all suggest that this variant is likely to be tolerated, but these predictions have not been confirmed by published functional studies and their clinical significance is uncertain.